The following is an entry in ClinVar:

ClinVar aggregate classification (germline): Uncertain significance. Review status: criteria provided, multiple submitters, no conflicts (2 of 4 stars). 3 submissions from 3 submitters: Uncertain significance (3). Last evaluated 2026-02-17.

Allele frequency attached by ClinVar (database versions not stated): ExAC 0.00002; gnomAD exomes 0.00002; TOPMed 0.00002; gnomAD 0.00004 and 0.00005; ESP Exome Variant Server 0.00015.
gnomAD v4.1: 42 of 1,611,482 alleles (0.0026%); highest among the groups gnomAD compares: Non-Finnish European, 0.0031%; no homozygotes.

Submissions (3):

Women's Health and Genetics/Laboratory Corporation of America, LabCorp
Classification: Uncertain significance. Last evaluated: 2026-02-17. Review status: criteria provided, single submitter. Criteria: LabCorp Variant Classification Summary - May 2015. Collection method: clinical testing. Allele origin: germline.
Comment: Variant summary: PIEZO2 c.8242A>G (p.Arg2748Gly) results in a non-conservative amino acid change in the encoded protein sequence. Algorithms developed to predict the effect of missense changes on protein structure and function all suggest that this variant is likely to be disruptive. The variant allele was found at a frequency of 2e-05 in 249292 control chromosomes. The available data on variant occurrences in the general population are insufficient to allow any conclusion about variant significance. To our knowledge, no occurrence of c.8242A>G in individuals affected with PIEZO2-related conditions and no experimental evidence demonstrating its impact on protein function have been reported. ClinVar contains an entry for this variant (Variation ID: 1314136). Based on the evidence outlined above, the variant was classified as uncertain significance.

Labcorp Genetics (formerly Invitae), Labcorp
Classification: Uncertain significance. Last evaluated: 2022-06-05. Review status: criteria provided, single submitter. Criteria: Invitae Variant Classification Sherloc (09022015). Collection method: clinical testing. Allele origin: germline.
Comment: This sequence change replaces arginine, which is basic and polar, with glycine, which is neutral and non-polar, at codon 2748 of the PIEZO2 protein (p.Arg2748Gly). This variant is present in population databases (rs150256646, gnomAD 0.004%). This variant has not been reported in the literature in individuals affected with PIEZO2-related conditions. ClinVar contains an entry for this variant (Variation ID: 1314136). Advanced modeling of protein sequence and biophysical properties (such as structural, functional, and spatial information, amino acid conservation, physicochemical variation, residue mobility, and thermodynamic stability) performed at Invitae indicates that this missense variant is expected to disrupt PIEZO2 protein function. In summary, the available evidence is currently insufficient to determine the role of this variant in disease. Therefore, it has been classified as a Variant of Uncertain Significance.

GeneDx
Classification: Uncertain significance. Last evaluated: 2020-01-23. Review status: criteria provided, single submitter. Criteria: GeneDx Variant Classification Process June 2021. Collection method: clinical testing. Allele origin: germline. Affected: yes.
Comment: Not observed at a significant frequency in large population cohorts (Lek et al., 2016); In silico analysis, which includes protein predictors and evolutionary conservation, supports a deleterious effect; Has not been previously published as pathogenic or benign to our knowledge

NM_001378183.1(PIEZO2):c.8581A>G (p.Arg2861Gly)

Gene: PIEZO2 (piezo type mechanosensitive ion channel component 2; minus strand). Cytogenetic location: 18p11.22.
Variant type: single nucleotide variant.
Coding change: c.8581A>G on transcript NM_001378183.1 (MANE Select); coding-DNA position 8581, A replaced by G.
Protein change: p.Arg2861Gly; replaces arginine 2861 with glycine.
Molecular consequence: missense variant.
Genome position (GRCh38, 1-based): chr18:10,671,544, T>C on the plus strand (A>G on the coding strand, the complement: PIEZO2 is on the minus strand). VCF-style: chr18-10671544-T-C. GRCh37 (hg19) VCF-style: chr18-10671541-T-C.
Other names: c.8242A>G, p.Arg2748Gly (NM_022068.4); short protein forms R2748G, R2861G.
Identifiers: ClinVar variation 1314136 (VCV001314136.8), dbSNP rs150256646, ClinGen allele CA8891720.